The following is an entry in ClinVar:

ClinVar aggregate classification (germline): Uncertain significance (1 of 4 stars; one submission).

Conditions:
Intellectual developmental disorder, autosomal dominant 57. Also called: MENTAL RETARDATION, AUTOSOMAL DOMINANT 57; Intellectual disability, autosomal dominant 57. Identifiers: MedGen C4748003, MONDO:0054837, OMIM 618050.

Submission:

Illumina Laboratory Services, Illumina
Classification: Uncertain significance for Intellectual developmental disorder, autosomal dominant 57. Last evaluated: 2021-12-16. Review status: criteria provided, single submitter. Criteria: ICSLVariantClassificationCriteria RUGD 01 April 2020. Collection method: clinical testing. Allele origin: unknown.
Comment: The TLK2 c.870G>A (p.Met290Ile) missense variant results in the substitution of methionine at amino acid position 290 with isoleucine. To our knowledge, this variant has not been reported in the peer-reviewed literature. This variant is not found in version 2.1.1 or version 3.1.2 of the Genome Aggregation Database. In silico tools suggest that this variant may be damaging, however this has not been verified experimentally. Based on the available evidence, the c.870G>A (p.Met290Ile) variant is classified as a variant of uncertain significance for TLK2-related neurodevelopmental disorder.

NM_006852.6(TLK2):c.870G>A (p.Met290Ile)

Gene: TLK2 (tousled like kinase 2; plus strand). Cytogenetic location: 17q23.2.
Variant type: single nucleotide variant.
Coding change: c.870G>A on transcript NM_006852.6 (MANE Select); coding-DNA position 870, G replaced by A.
Protein change: p.Met290Ile; replaces methionine 290 with isoleucine.
Molecular consequence: missense variant.
Genome position (GRCh38, 1-based): chr17:62,565,039, G>A. VCF-style: chr17-62565039-G-A. GRCh37 (hg19) VCF-style: chr17-60642400-G-A.
Other names: c.870G>A, p.Met290Ile (NM_001284333.3, NM_001375270.1, NM_001375271.1); c.774G>A, p.Met258Ile (NM_001284363.1, NM_001375272.1); c.423G>A, p.Met141Ile (NM_001330418.3, NM_001375273.1); c.912G>A, p.Met304Ile (NM_001375269.1); short protein forms M141I, M258I, M290I, M304I.
Identifiers: ClinVar variation 1693285 (VCV001693285.3), dbSNP rs1451322597, ClinGen allele CA400499433.